The following is an entry in ClinVar:

NM_052989.3(IFT122):c.617T>C (p.Ile206Thr)

Gene: IFT122 (intraflagellar transport 122; plus strand). Cytogenetic location: 3q21.3.
Variant type: single nucleotide variant.
Coding change: c.617T>C on transcript NM_052989.3 (MANE Select); coding-DNA position 617, T replaced by C.
Protein change: p.Ile206Thr; replaces isoleucine 206 with threonine.
Molecular consequence: missense variant. On other transcripts: intron variant (4).
Genome position (GRCh38, 1-based): chr3:129,466,943, T>C. VCF-style: chr3-129466943-T-C. GRCh37 (hg19) VCF-style: chr3-129185786-T-C.
Other names: c.167T>C, p.Ile56Thr (NM_001280545.2); c.770T>C, p.Ile257Thr (NM_052985.4); c.716+2162T>C (NM_001280541.2); c.563+2162T>C (NM_018262.4); c.113+2162T>C (NM_001280546.2); c.407+2162T>C (NM_052990.3); c.770T>C (NM_052985.2); short protein forms I257T, I56T, I206T.
Identifiers: ClinVar variation 283378 (VCV000283378.27), dbSNP rs59912693, ClinGen allele CA2605932.

ClinVar aggregate classification (germline): Conflicting classifications of pathogenicity. Review status: criteria provided, conflicting classifications (1 of 4 stars). 7 submissions from 7 submitters: Uncertain significance (1); Likely benign (5). 1 of the submissions does not count toward it. Last evaluated 2026-02-03.

Conditions:
IFT122-related disorder. Also called: IFT122-related condition.
Inborn genetic diseases. Identifiers: MedGen C0950123, MeSH D030342.
Cranioectodermal dysplasia 1 (CED1). Also called: LEVIN SYNDROME I. Identifiers: Orphanet 1515, MedGen C0432235, MONDO:0021093, OMIM 218330.

Allele frequency attached by ClinVar (database versions not stated): gnomAD exomes 0.00015 and 0.00035; ExAC 0.00044; 1000 Genomes Project 0.00120; 1000 Genomes Project 30x 0.00125; gnomAD 0.00169 and 0.00184; TOPMed 0.00201; ESP Exome Variant Server 0.00223.
gnomAD v4.1: 488 of 1,614,204 alleles (0.03%); highest among the groups gnomAD compares: African/African-American, 0.59%; 2 homozygotes.

Submissions (7):

Labcorp Genetics (formerly Invitae), Labcorp
Classification: Likely benign for Cranioectodermal dysplasia 1. Last evaluated: 2026-02-03. Review status: criteria provided, single submitter. Criteria: Invitae Variant Classification Sherloc (09022015). Collection method: clinical testing. Allele origin: germline.

Ambry Genetics
Classification: Uncertain significance for Inborn genetic diseases. Last evaluated: 2023-06-06. Review status: criteria provided, single submitter. Criteria: Ambry Variant Classification Scheme 2023. Collection method: clinical testing. Allele origin: germline.

GeneDx
Classification: Likely benign. Last evaluated: 2019-03-21. Review status: criteria provided, single submitter. Criteria: GeneDx Variant Classification Process June 2021. Collection method: clinical testing. Allele origin: germline. Affected: yes.
Comment: In silico analysis, which includes protein predictors and evolutionary conservation, supports that this variant does not alter protein structure/function; Has not been previously published as pathogenic or benign to our knowledge

Illumina Laboratory Services, Illumina
Classification: Likely benign for Cranioectodermal dysplasia 1. Last evaluated: 2017-04-28. Review status: criteria provided, single submitter. Criteria: ICSL Variant Classification Criteria 13 December 2019. Collection method: clinical testing. Allele origin: germline.
Comment: This variant was observed as part of a predisposition screen in an ostensibly healthy population. A literature search was performed for the gene, cDNA change, and amino acid change (where applicable). No publications were found based on this search. Allele frequency data from public databases allowed determination this variant is unlikely to cause disease. Therefore, this variant is classified as likely benign.

Eurofins Ntd Llc (ga)
Classification: Likely benign. Last evaluated: 2015-10-12. Review status: criteria provided, single submitter. Criteria: EGL Classification Definitions 2015. Collection method: clinical testing. Allele origin: germline. Observed: 1 variant allele, 1 heterozygote.

Breakthrough Genomics
Classification: Likely benign. Review status: criteria provided, single submitter. Criteria: ACMG Guidelines, 2015. Collection method: not provided. Allele origin: germline. Inheritance: Autosomal recessive inheritance. Affected: yes.

PreventionGenetics, part of Exact Sciences
Classification: Likely benign for IFT122-related condition. Last evaluated: 2021-11-05. Review status: no assertion criteria provided. Collection method: clinical testing. Allele origin: germline. Not counted in ClinVar's aggregate classification.
Comment: This variant is classified as likely benign based on ACMG/AMP sequence variant interpretation guidelines (Richards et al. 2015 PMID: 25741868, with internal and published modifications).